The following is an entry in ClinVar:

ClinVar aggregate classification (germline): Likely pathogenic (1 of 4 stars; one submission).

Conditions:
Phenylketonuria (PKU). Also called: Phenylketonurias; FOLLING DISEASE; Phenylketonuria (PKU); OLIGOPHRENIA PHENYLPYRUVICA. Identifiers: Orphanet 716, MedGen C0031485, MONDO:0009861, OMIM 261600. Disease mechanism: loss of function.

Submission:

Myriad Genetics, Inc.
Classification: Likely pathogenic for Phenylketonuria. Last evaluated: 2022-01-24. Review status: criteria provided, single submitter. Criteria: Myriad Women's Health Autosomal Recessive and X-Linked Classification Criteria (2021). Collection method: clinical testing. Allele origin: unknown.
Comment: NM_000277.1(PAH):c.1087A>T(K363*) is expected to be pathogenic in the context of phenylalanine hydroxylase deficiency. This variant is predicted to lead to an abnormal or absent protein product due to the creation of a premature termination codon in PAH, a gene where loss-of-function variants are known to be pathogenic. Please note: this variant was assessed in the context of healthy population screening.

NM_000277.3(PAH):c.1087A>T (p.Lys363Ter)

Gene: PAH (phenylalanine hydroxylase; minus strand). Cytogenetic location: 12q23.2.
Variant type: single nucleotide variant.
Coding change: c.1087A>T on transcript NM_000277.3 (MANE Select); coding-DNA position 1087, A replaced by T.
Protein change: p.Lys363Ter; replaces lysine 363 with a stop codon.
Molecular consequence: nonsense.
Genome position (GRCh38, 1-based): chr12:102,843,758, T>A on the plus strand (A>T on the coding strand, the complement: PAH is on the minus strand). VCF-style: chr12-102843758-T-A. GRCh37 (hg19) VCF-style: chr12-103237536-T-A.
Other names: c.1087A>T, p.Lys363Ter (NM_001354304.2); short protein forms K363*.
Identifiers: ClinVar variation 1724035 (VCV001724035.2), dbSNP rs2499614247, ClinGen allele CA386493328.